The following is an entry in ClinVar:

ClinVar aggregate classification (germline): Uncertain significance (1 of 4 stars; one submission).

Conditions:
Hereditary cancer-predisposing syndrome. Also called: Neoplastic Syndromes, Hereditary; Hereditary neoplastic syndrome; Tumor predisposition; Hereditary Cancer Syndrome. Identifiers: Orphanet 140162, MedGen C0027672, MeSH D009386, MONDO:0015356.

Submission:

Ambry Genetics
Classification: Uncertain significance for Hereditary cancer-predisposing syndrome. Last evaluated: 2025-07-16. Review status: criteria provided, single submitter. Criteria: Ambry Variant Classification Scheme 2023. Collection method: clinical testing. Allele origin: germline.
Comment: The p.R198P variant (also known as c.593G>C), located in coding exon 6 of the NF2 gene, results from a G to C substitution at nucleotide position 593. The arginine at codon 198 is replaced by proline, an amino acid with dissimilar properties. This amino acid position is well conserved in available vertebrate species. In addition, the in silico prediction for this alteration is inconclusive. Based on the available evidence, the clinical significance of this variant remains unclear.

NM_000268.4(NF2):c.593G>C (p.Arg198Pro)

Gene: NF2 (NF2, moesin-ezrin-radixin like (MERLIN) tumor suppressor; plus strand). Cytogenetic location: 22q12.2.
Variant type: single nucleotide variant.
Coding change: c.593G>C on transcript NM_000268.4 (MANE Select); coding-DNA position 593, G replaced by C.
Protein change: p.Arg198Pro; replaces arginine 198 with proline.
Molecular consequence: missense variant. On other transcripts: intron variant (1).
Genome position (GRCh38, 1-based): chr22:29,655,670, G>C. VCF-style: chr22-29655670-G-C. GRCh37 (hg19) VCF-style: chr22-30051659-G-C.
Other names: c.479G>C, p.Arg160Pro (NM_001407053.1, NM_001407056.1); c.470G>C, p.Arg157Pro (NM_001407054.1, NM_001407058.1, NM_001407062.1 and 1 more transcripts); c.467G>C, p.Arg156Pro (NM_001407055.1, NM_181828.3); c.593G>C, p.Arg198Pro (NM_001407057.1, NM_001407059.1, NM_001407060.1 and 4 more transcripts); c.344G>C, p.Arg115Pro (NM_001407063.1, NM_001407064.1, NM_181830.3 and 1 more transcripts); c.59G>C, p.Arg20Pro (NM_001407065.1); c.362G>C, p.Arg121Pro (NM_001407067.1); c.447+13385G>C (NM_181833.3); short protein forms R115P, R160P, R121P, R157P, R156P, R198P, R20P.
Identifiers: ClinVar variation 2453827 (VCV002453827.3), dbSNP rs2146973900, ClinGen allele CA411142711.
Genomic context (GRCh38, chr22:29,655,670, plus strand): 5'-AGATGACTCCGGAAATGTGGGAGGAGAGAATTACTGCTTGGTACGCAGAGCACCGAGGCC[G>C]AGCCAGGTGAGGCCCATTCATTGTTGGTTTACATTCCTTTATGGGCTTTTTTTTTTTTTT-3'
Protein context (NP_000259.1, residues 188-208): ITAWYAEHRG[Arg198Pro]ARDEAEMEYL